The following is an entry in ClinVar:

ClinVar aggregate classification (germline): Benign. Review status: criteria provided, single submitter (1 of 4 stars). 2 submissions from 2 submitters: Benign (1). 1 of the submissions does not count toward it. Last evaluated 2020-03-31.

Conditions:
INF2-related disorder. Also called: INF2-related condition.

Allele frequency attached by ClinVar (database versions not stated): ExAC 0.00080; gnomAD exomes 0.00140.

Submissions (2):

GeneDx
Classification: Benign. Last evaluated: 2020-03-31. Review status: criteria provided, single submitter. Criteria: GeneDx Variant Classification Process June 2021. Collection method: clinical testing. Allele origin: germline. Affected: yes.

PreventionGenetics, part of Exact Sciences
Classification: Likely benign for INF2-related condition. Last evaluated: 2019-06-06. Review status: no assertion criteria provided. Collection method: clinical testing. Allele origin: germline. Not counted in ClinVar's aggregate classification.
Comment: This variant is classified as likely benign based on ACMG/AMP sequence variant interpretation guidelines (Richards et al. 2015 PMID: 25741868, with internal and published modifications).

NM_022489.4(INF2):c.1281A>C (p.Pro427=)

Gene: INF2 (inverted formin 2; plus strand). Cytogenetic location: 14q32.33.
Variant type: single nucleotide variant.
Coding change: c.1281A>C on transcript NM_022489.4 (MANE Select); coding-DNA position 1281, A replaced by C.
Protein change: p.Pro427=; no amino-acid change (proline 427 retained).
Molecular consequence: synonymous variant.
Genome position (GRCh38, 1-based): chr14:104,707,548, A>C. VCF-style: chr14-104707548-A-C. GRCh37 (hg19) VCF-style: chr14-105173885-A-C.
Other names: c.1281A>C, p.Pro427= (NM_001031714.4).
Identifiers: ClinVar variation 1243396 (VCV001243396.4), dbSNP rs754332692, ClinGen allele CA7372547.